The following is an entry in ClinVar:

ClinVar aggregate classification (germline): Uncertain significance. Review status: criteria provided, multiple submitters, no conflicts (2 of 4 stars). 2 submissions from 2 submitters: Uncertain significance (2). Last evaluated 2026-01-28.

Conditions:
Atypical hemolytic-uremic syndrome. Identifiers: Orphanet 2134, MedGen C2931788, MONDO:0016244.
Basal laminar drusen. Also called: DRUSEN OF BRUCH MEMBRANE; DRUSEN, CUTICULAR; DRUSEN, EARLY ADULT-ONSET, GROUPED. Identifiers: Orphanet 75376, MedGen C0730295, MONDO:0007472, OMIM 126700.
Factor H deficiency (CFHD). Also called: COMPLEMENT FACTOR H DEFICIENCY; CFH DEFICIENCY. Identifiers: Orphanet 200421, MedGen C0398777, MONDO:0012350, OMIM 609814.
Age related macular degeneration 4. Identifiers: MedGen C1853147, MONDO:0012540, OMIM 610698.

gnomAD v4.1: 2 of 1,612,808 alleles (0.00012%); highest among the groups gnomAD compares: Admixed American, 0.0017%; no homozygotes.

Submissions (2):

Labcorp Genetics (formerly Invitae), Labcorp
Classification: Uncertain significance. Last evaluated: 2026-01-28. Review status: criteria provided, single submitter. Criteria: Invitae Variant Classification Sherloc (09022015). Collection method: clinical testing. Allele origin: germline.
Comment: This sequence change replaces threonine, which is neutral and polar, with alanine, which is neutral and non-polar, at codon 531 of the CFH protein (p.Thr531Ala). This variant is present in population databases (rs747757010, gnomAD 0.003%). This missense change has been observed in individual(s) with atypical hemolytic uremic syndrome (PMID: 34189567). ClinVar contains an entry for this variant (Variation ID: 4291399). An algorithm developed to predict the effect of missense changes on protein structure and function (PolyPhen-2) suggests that this variant is likely to be tolerated. Experimental studies have shown that this missense change does not substantially affect CFH function (PMID: 34189567). In summary, the available evidence is currently insufficient to determine the role of this variant in disease. Therefore, it has been classified as a Variant of Uncertain Significance.

Genomenon, Inc
Classification: Uncertain significance for Basal laminar drusen; Age related macular degeneration 4; Atypical hemolytic-uremic syndrome; Factor H deficiency. Last evaluated: 2025-10-02. Review status: criteria provided, single submitter. Criteria: Genomenon Sequence Variant Interpretation Standards - Updated. Collection method: curation. Allele origin: germline. Affected: no.
Comment: CFH p.Thr531Ala (c.1591A>G) is a missense variant that changes the amino acid at residue 531 from Threonine to Alanine. This variant has been reported in the published literature (PMID:34189567). It is absent or not present at a significant frequency in gnomAD. In silico models agree that this variant is not damaging. In conclusion, we classify CFH p.Thr531Ala (c.1591A>G) as a variant of uncertain significance.

Literature cited by the submitters: PubMed 34189567 (cited by Labcorp Genetics (formerly Invitae), Labcorp and Genomenon, Inc).

NM_000186.4(CFH):c.1591A>G (p.Thr531Ala)

Gene: CFH (complement factor H; plus strand). Cytogenetic location: 1q31.3.
Variant type: single nucleotide variant.
Coding change: c.1591A>G on transcript NM_000186.4 (MANE Select); coding-DNA position 1591, A replaced by G.
Protein change: p.Thr531Ala; replaces threonine 531 with alanine.
Molecular consequence: missense variant.
Genome position (GRCh38, 1-based): chr1:196,715,664, A>G. VCF-style: chr1-196715664-A-G. GRCh37 (hg19) VCF-style: chr1-196684794-A-G.
Other names: short protein forms T531A.
Identifiers: ClinVar variation 4291399 (VCV004291399.2).